The following is an entry in ClinVar:

ClinVar aggregate classification (germline): Conflicting classifications of pathogenicity. Review status: criteria provided, conflicting classifications (1 of 4 stars). 4 submissions from 4 submitters: Uncertain significance (3); Likely benign (1). Last evaluated 2026-01-20.

Conditions:
Inborn genetic diseases. Identifiers: MedGen C0950123, MeSH D030342.

Allele frequency attached by ClinVar (database versions not stated): gnomAD 0.00003; gnomAD exomes 0.00004; TOPMed 0.00005; ExAC 0.00008.
gnomAD v4.1: 65 of 1,607,624 alleles (0.004%); highest among the groups gnomAD compares: Middle Eastern, 0.042%; no homozygotes.

Submissions (4):

Women's Health and Genetics/Laboratory Corporation of America, LabCorp
Classification: Uncertain significance. Last evaluated: 2026-01-20. Review status: criteria provided, single submitter. Criteria: LabCorp Variant Classification Summary - May 2015. Collection method: clinical testing. Allele origin: germline.
Comment: Variant summary: CRB2 c.3644C>T (p.Pro1215Leu) results in a non-conservative amino acid change in the encoded protein sequence. Algorithms developed to predict the effect of missense changes on protein structure and function are either unavailable or do not agree on the potential impact of this missense change. The variant allele was found at a frequency of 5.5e-05 in 237848 control chromosomes (gnomAD). This frequency is not significantly higher than estimated for disease-causing variants in CRB2, allowing no conclusion about variant significance. To our knowledge, no occurrence of c.3644C>T in individuals affected with CRB2-related conditions and no experimental evidence demonstrating its impact on protein function have been reported. ClinVar contains an entry for this variant (Variation ID: 2075355). Based on the evidence outlined above, the variant was classified as uncertain significance.

Blueprint Genetics
Classification: Uncertain significance. Last evaluated: 2024-08-27. Review status: criteria provided, single submitter. Criteria: ACMG Guidelines, 2015. Collection method: clinical testing. Allele origin: germline.

Labcorp Genetics (formerly Invitae), Labcorp
Classification: Likely benign. Last evaluated: 2024-04-05. Review status: criteria provided, single submitter. Criteria: Invitae Variant Classification Sherloc (09022015). Collection method: clinical testing. Allele origin: germline.

Ambry Genetics
Classification: Uncertain significance for Inborn genetic diseases. Last evaluated: 2022-10-12. Review status: criteria provided, single submitter. Criteria: Ambry Variant Classification Scheme 2023. Collection method: clinical testing. Allele origin: germline.

NM_173689.7(CRB2):c.3644C>T (p.Pro1215Leu)

Gene: CRB2 (crumbs cell polarity complex component 2; plus strand). Cytogenetic location: 9q33.3.
Variant type: single nucleotide variant.
Coding change: c.3644C>T on transcript NM_173689.7 (MANE Select); coding-DNA position 3644, C replaced by T.
Protein change: p.Pro1215Leu; replaces proline 1215 with leucine.
Molecular consequence: missense variant. On other transcripts: non-coding transcript variant (1).
Genome position (GRCh38, 1-based): chr9:123,376,848, C>T. VCF-style: chr9-123376848-C-T. GRCh37 (hg19) VCF-style: chr9-126139127-C-T.
Other names: short protein forms P1215L.
Identifiers: ClinVar variation 2075355 (VCV002075355.7), dbSNP rs758341965, ClinGen allele CA5232578.
Genomic context (GRCh38, chr9:123,376,848, plus strand): 5'-CGTCCTCCCCTTCTCTGCGGTCTTAGGCCTCGGTGTCGTGTCTCTTGCAGAAGGGCCTGC[C>T]CCTGCCGCTGCCATTCCCACTGCTGGAGGTGGCCGTACCTGCAGCCTGTGCCTGCCTCCT-3'
Protein context (NP_775960.4, residues 1205-1225): GQFCEVAKGL[Pro1215Leu]LPLPFPLLEV